The following is an entry in ClinVar:

ClinVar aggregate classification (germline): Likely benign. Review status: criteria provided, multiple submitters, no conflicts (2 of 4 stars). 5 submissions from 5 submitters: Likely benign (4). 1 of the submissions does not count toward it. Last evaluated 2024-02-06.

Conditions:
RYR1-related disorder. Also called: RYR1-related disorders; RYR1-related condition. Identifiers: MedGen CN239331.
Malignant hyperthermia, susceptibility to, 1 (MHS1). Also called: RYR1-Related Malignant Hyperthermia Susceptibility; Anesthesia related hyperthermia; Malignant hyperpyrexia; Fulminating hyperpyrexia; Pharmacogenic myopathy; Malignant hyperthermia suceptibility 1. Identifiers: Orphanet 423, MedGen C2930980, MONDO:0007783, OMIM 145600.

Allele frequency attached by ClinVar (database versions not stated): gnomAD exomes 0.00001; ExAC 0.00003; gnomAD 0.00003.
gnomAD v4.1: 14 of 1,612,782 alleles (0.00087%); highest among the groups gnomAD compares: East Asian, 0.0022%; no homozygotes.

Submissions (5):

Labcorp Genetics (formerly Invitae), Labcorp
Classification: Likely benign for RYR1-related disorder. Last evaluated: 2024-02-06. Review status: criteria provided, single submitter. Criteria: Invitae Variant Classification Sherloc (09022015). Collection method: clinical testing. Allele origin: germline.

All of Us Research Program, National Institutes of Health
Classification: Likely benign for Malignant hyperthermia, susceptibility to, 1. Last evaluated: 2023-08-15. Review status: criteria provided, single submitter. Criteria: ACMG Guidelines, 2015. Collection method: clinical testing. Allele origin: germline. Inheritance: Autosomal dominant inheritance. Observed: 5 variant alleles, 5 heterozygotes.
Comment: This study involves interpretation of variants in research participants for the purpose of population health screening. Participant phenotype was not available at the time of variant classification. Additional details can be found in publication PMID: 35346344, PMCID: PMC8962531

Color Diagnostics, LLC DBA Color Health
Classification: Likely benign for Malignant hyperthermia, susceptibility to, 1. Last evaluated: 2022-11-06. Review status: criteria provided, single submitter. Criteria: ACMG Guidelines, 2015. Collection method: clinical testing. Allele origin: germline.

GeneDx
Classification: Likely benign. Last evaluated: 2018-04-12. Review status: criteria provided, single submitter. Criteria: GeneDx Variant Classification (06012015). Collection method: clinical testing. Allele origin: germline. Affected: yes.
Comment: This variant is considered likely benign or benign based on one or more of the following criteria: it is a conservative change, it occurs at a poorly conserved position in the protein, it is predicted to be benign by multiple in silico algorithms, and/or has population frequency not consistent with disease.

PreventionGenetics, part of Exact Sciences
Classification: Likely benign for RYR1-related condition. Last evaluated: 2024-05-02. Review status: no assertion criteria provided. Collection method: clinical testing. Allele origin: germline. Not counted in ClinVar's aggregate classification.
Comment: This variant is classified as likely benign based on ACMG/AMP sequence variant interpretation guidelines (Richards et al. 2015 PMID: 25741868, with internal and published modifications).

NM_000540.3(RYR1):c.5532C>T (p.Leu1844=)

Gene: RYR1 (ryanodine receptor 1; plus strand). Cytogenetic location: 19q13.2.
Variant type: single nucleotide variant.
Coding change: c.5532C>T on transcript NM_000540.3 (MANE Select); coding-DNA position 5532, C replaced by T.
Protein change: p.Leu1844=; no amino-acid change (leucine 1844 retained).
Molecular consequence: synonymous variant.
Genome position (GRCh38, 1-based): chr19:38,486,187, C>T. VCF-style: chr19-38486187-C-T. GRCh37 (hg19) VCF-style: chr19-38976827-C-T.
Other names: c.5532C>T, p.Leu1844= (NM_001042723.2).
Identifiers: ClinVar variation 681817 (VCV000681817.7), dbSNP rs754562295, ClinGen allele CA067215.
Genomic context (GRCh38, chr19:38,486,187, plus strand): 5'-GCACGCTCGCGACCCCGTCGGGGGCTCCGTGGAGTTCCAGTTTGTGCCTGTGCTCAAGCT[C>T]GTGTCCACCCTGCTGGTAATGGCTTCCTCCTGCTTTCCTCTGTCCCATTCTTCTCCCACA-3'
Protein context (NP_000531.2, residues 1834-1854): VEFQFVPVLK[Leu1844=]VSTLLVMGIF